The following is an entry in ClinVar:

NM_182641.4(BPTF):c.1864+670A>G

Gene: BPTF (bromodomain PHD finger transcription factor; plus strand). Cytogenetic location: 17q24.2.
Variant type: single nucleotide variant.
Coding change: c.1864+670A>G on transcript NM_182641.4 (MANE Select); 670 bases into the intron after coding-DNA position 1864, A replaced by G.
Molecular consequence: intron variant. On other transcripts: missense variant (1).
Genome position (GRCh38, 1-based): chr17:67,875,690, A>G. VCF-style: chr17-67875690-A-G. GRCh37 (hg19) VCF-style: chr17-65871806-A-G.
Other names: c.1999A>G, p.Ser667Gly (NM_004459.7); short protein forms S667G.
Identifiers: ClinVar variation 2048169 (VCV002048169.4), dbSNP rs1368311717, ClinGen allele CA400715091.

ClinVar aggregate classification (germline): Uncertain significance (1 of 4 stars; one submission).

Allele frequency attached by ClinVar (database versions not stated): TOPMed 0.00002; gnomAD 0.00003; gnomAD exomes 0.00002.
gnomAD v4.1: 34 of 1,606,392 alleles (0.0021%); highest among the groups gnomAD compares: Non-Finnish European, 0.0029%; no homozygotes.

Submission:

Labcorp Genetics (formerly Invitae), Labcorp
Classification: Uncertain significance. Last evaluated: 2025-09-15. Review status: criteria provided, single submitter. Criteria: Invitae Variant Classification Sherloc (09022015). Collection method: clinical testing. Allele origin: germline.
Comment: This sequence change replaces serine, which is neutral and polar, with glycine, which is neutral and non-polar, at codon 667 of the BPTF protein (p.Ser667Gly). This variant is present in population databases (no rsID available, gnomAD 0.003%). This variant has not been reported in the literature in individuals affected with BPTF-related conditions. ClinVar contains an entry for this variant (Variation ID: 2048169). An algorithm developed to predict the effect of missense changes on protein structure and function (PolyPhen-2) suggests that this variant is likely to be disruptive. In summary, the available evidence is currently insufficient to determine the role of this variant in disease. Therefore, it has been classified as a Variant of Uncertain Significance.